The following is an entry in ClinVar:

NM_000057.4(BLM):c.3146G>A (p.Gly1049Glu)

Gene: BLM (BLM RecQ like helicase; plus strand). Cytogenetic location: 15q26.1.
Variant type: single nucleotide variant.
Coding change: c.3146G>A on transcript NM_000057.4 (MANE Select); coding-DNA position 3146, G replaced by A.
Protein change: p.Gly1049Glu; replaces glycine 1049 with glutamic acid.
Molecular consequence: missense variant.
Genome position (GRCh38, 1-based): chr15:90,794,293, G>A. VCF-style: chr15-90794293-G-A. GRCh37 (hg19) VCF-style: chr15-91337523-G-A.
Other names: c.3146G>A, p.Gly1049Glu (NM_001287246.2, NM_001287247.2); c.2021G>A, p.Gly674Glu (NM_001287248.2); short protein forms G1049E, G674E.
Identifiers: ClinVar variation 1052002 (VCV001052002.10), dbSNP rs2151187363, ClinGen allele CA393846935.

ClinVar aggregate classification (germline): Uncertain significance (1 of 4 stars; one submission).

Conditions:
Bloom syndrome (BLM). Also called: Bloom-Torre-Machacek syndrome. Identifiers: Orphanet 125, MedGen C0005859, MONDO:0008876, OMIM 210900.

gnomAD v4.1: 1 of 1,605,698 alleles (0.000062%); highest among the groups gnomAD compares: Non-Finnish European, 0.000085%; no homozygotes.

Submission:

Labcorp Genetics (formerly Invitae), Labcorp
Classification: Uncertain significance for Bloom syndrome. Last evaluated: 2020-03-04. Review status: criteria provided, single submitter. Criteria: Invitae Variant Classification Sherloc (09022015). Collection method: clinical testing. Allele origin: germline.
Comment: This sequence change replaces glycine with glutamic acid at codon 1049 of the BLM protein (p.Gly1049Glu). The glycine residue is weakly conserved and there is a moderate physicochemical difference between glycine and glutamic acid. In summary, the available evidence is currently insufficient to determine the role of this variant in disease. Therefore, it has been classified as a Variant of Uncertain Significance. Algorithms developed to predict the effect of missense changes on protein structure and function output the following: SIFT: "Tolerated"; PolyPhen-2: "Benign"; Align-GVGD: "Class C0". The glutamic acid amino acid residue is found in multiple mammalian species, suggesting that this missense change does not adversely affect protein function. These predictions have not been confirmed by published functional studies and their clinical significance is uncertain. This variant has not been reported in the literature in individuals with BLM-related conditions. This variant is not present in population databases (ExAC no frequency).